The following is an entry in ClinVar:

ClinVar aggregate classification (germline): Uncertain significance. Review status: criteria provided, multiple submitters, no conflicts (2 of 4 stars). 6 submissions from 5 submitters: Uncertain significance (5). 1 of the submissions does not count toward it. Last evaluated 2026-02-03.

Conditions:
Hereditary leiomyomatosis and renal cell cancer. Also called: Familial leiomyomatosis; MULTIPLE CUTANEOUS AND UTERINE LEIOMYOMATA 1, WITH OR WITHOUT RENAL CELL CARCINOMA; Multiple cutaneous leiomyomas; Reed syndrome; Multiple cutaneous and uterine leiomyomatosis; Cutaneous leiomyomata with uterine leiomyomata. Identifiers: Orphanet 523, MedGen C1708350, MONDO:0007888, OMIM 150800, HP:0007437. Disease mechanism: loss of function.
Fumarase deficiency (FMRD). Also called: Fumarate Hydratase Deficiency; Fumaric aciduria. Identifiers: Orphanet 24, MedGen C0342770, MONDO:0011730, OMIM 606812.
Hereditary cancer-predisposing syndrome. Also called: Tumor predisposition; Hereditary neoplastic syndrome; Neoplastic Syndromes, Hereditary; Hereditary Cancer Syndrome. Identifiers: Orphanet 140162, MedGen C0027672, MeSH D009386, MONDO:0015356.

Allele frequency attached by ClinVar (database versions not stated): gnomAD exomes below 0.00001.
gnomAD v4.1: 2 of 1,611,614 alleles (0.00012%); highest among the groups gnomAD compares: East Asian, 0.0022%; no homozygotes.

Submissions (6):

Labcorp Genetics (formerly Invitae), Labcorp
Classification: Uncertain significance. Last evaluated: 2026-02-03. Review status: criteria provided, single submitter. Criteria: Invitae Variant Classification Sherloc (09022015). Collection method: clinical testing. Allele origin: germline.
Comment: This sequence change replaces threonine, which is neutral and polar, with isoleucine, which is neutral and non-polar, at codon 431 of the FH protein (p.Thr431Ile). This variant is not present in population databases (gnomAD no frequency). This variant has not been reported in the literature in individuals affected with FH-related conditions. ClinVar contains an entry for this variant (Variation ID: 460340). Invitae Evidence Modeling of protein sequence and biophysical properties (such as structural, functional, and spatial information, amino acid conservation, physicochemical variation, residue mobility, and thermodynamic stability) has been performed for this missense variant. However, the output from this modeling did not meet the statistical confidence thresholds required to predict the impact of this variant on FH protein function. In summary, the available evidence is currently insufficient to determine the role of this variant in disease. Therefore, it has been classified as a Variant of Uncertain Significance.

Ambry Genetics
Classification: Uncertain significance for Hereditary cancer-predisposing syndrome. Last evaluated: 2025-08-30. Review status: criteria provided, single submitter. Criteria: Ambry Variant Classification Scheme 2023. Collection method: clinical testing. Allele origin: germline.
Comment: The p.T431I variant (also known as c.1292C>T), located in coding exon 9 of the FH gene, results from a C to T substitution at nucleotide position 1292. The threonine at codon 431 is replaced by isoleucine, an amino acid with similar properties. This amino acid position is well conserved in available vertebrate species. In addition, this alteration is predicted to be deleterious by in silico analysis. Since supporting evidence is limited at this time, the clinical significance of this alteration remains unclear.

Baylor Genetics
Classification: Uncertain significance for Fumarase deficiency. Last evaluated: 2023-07-03. Review status: criteria provided, single submitter. Criteria: ACMG Guidelines, 2015. Collection method: clinical testing. Allele origin: unknown.

Illumina Laboratory Services, Illumina
Classification: Uncertain significance for Hereditary leiomyomatosis and renal cell cancer. Last evaluated: 2017-04-28. Review status: criteria provided, single submitter. Criteria: ICSL Variant Classification Criteria 13 December 2019. Collection method: clinical testing. Allele origin: germline.

Illumina Laboratory Services, Illumina
Classification: Uncertain significance for Fumarase deficiency. Last evaluated: 2017-04-28. Review status: criteria provided, single submitter. Criteria: ICSL Variant Classification Criteria 13 December 2019. Collection method: clinical testing. Allele origin: germline.

Natera, Inc.
Classification: Uncertain significance for Fumarase deficiency. Last evaluated: 2020-09-16. Review status: no assertion criteria provided. Collection method: clinical testing. Allele origin: germline. Not counted in ClinVar's aggregate classification.

NM_000143.4(FH):c.1292C>T (p.Thr431Ile)

Gene: FH (fumarate hydratase; minus strand). Cytogenetic location: 1q43.
Variant type: single nucleotide variant.
Coding change: c.1292C>T on transcript NM_000143.4 (MANE Select); coding-DNA position 1292, C replaced by T.
Protein change: p.Thr431Ile; replaces threonine 431 with isoleucine.
Molecular consequence: missense variant.
Genome position (GRCh38, 1-based): chr1:241,500,535, G>A on the plus strand (C>T on the coding strand, the complement: FH is on the minus strand). VCF-style: chr1-241500535-G-A. GRCh37 (hg19) VCF-style: chr1-241663835-G-A.
Other names: short protein forms T431I.
Identifiers: ClinVar variation 460340 (VCV000460340.19), dbSNP rs201005880, ClinGen allele CA40327543.